The following is an entry in ClinVar:

ClinVar aggregate classification (germline): Pathogenic/Likely pathogenic. Review status: criteria provided, multiple submitters, no conflicts (2 of 4 stars). 5 submissions from 5 submitters: Pathogenic (1); Likely pathogenic (2). 2 of the submissions do not count toward it. Last evaluated 2025-08-12.

Conditions:
Jeune thoracic dystrophy. Also called: Jeune syndrome; Infantile thoracic dystrophy; Thoracic pelvic phalangeal dystrophy; Jeune's syndrome; Chondroectodermal dysplasia-like syndrome; Short-rib thoracic dysplasia. Identifiers: Orphanet 474, MedGen C0265275, MONDO:0018770.
Asphyxiating thoracic dystrophy 3. Also called: SHORT-RIB THORACIC DYSPLASIA 3 WITH OR WITHOUT POLYDACTYLY; POLYDACTYLY WITH NEONATAL CHONDRODYSTROPHY, TYPE I; SHORT-RIB THORACIC DYSPLASIA 3/6 WITH POLYDACTYLY, DIGENIC; Short rib polydactyly syndrome 2B; Saldino-Noonan Syndrome. Identifiers: Orphanet 474, Orphanet 93269, Orphanet 93270, Orphanet 93271, MedGen C0036069, MONDO:0013127, OMIM 613091.

Allele frequency attached by ClinVar (database versions not stated): gnomAD exomes 0.00001; ExAC 0.00002.
gnomAD v4.1: 4 of 1,604,952 alleles (0.00025%); highest among the groups gnomAD compares: Non-Finnish European, 0.00034%; no homozygotes.

Submissions (5):

Labcorp Genetics (formerly Invitae), Labcorp
Classification: Pathogenic for Jeune thoracic dystrophy. Last evaluated: 2025-08-12. Review status: criteria provided, single submitter. Criteria: Invitae Variant Classification Sherloc (09022015). Collection method: clinical testing. Allele origin: germline.
Comment: This sequence change replaces aspartic acid, which is acidic and polar, with asparagine, which is neutral and polar, at codon 3289 of the DYNC2H1 protein (p.Asp3289Asn). This variant is present in population databases (rs780600124, gnomAD 0.0009%). This missense change has been observed in individual(s) with clinical features of short-rib polydactyly syndrome (PMID: 29068549; internal data). In at least one individual the data is consistent with being in trans (on the opposite chromosome) from a pathogenic variant. ClinVar contains an entry for this variant (Variation ID: 446534). Invitae Evidence Modeling of protein sequence and biophysical properties (such as structural, functional, and spatial information, amino acid conservation, physicochemical variation, residue mobility, and thermodynamic stability) indicates that this missense variant is expected to disrupt DYNC2H1 protein function with a positive predictive value of 95%. For these reasons, this variant has been classified as Pathogenic.

Institute of Medical Genetics and Applied Genomics, University Hospital Tübingen
Classification: Likely pathogenic. Last evaluated: 2021-06-17. Review status: criteria provided, single submitter. Criteria: ACMG Guidelines, 2015. Collection method: clinical testing. Allele origin: germline. Inheritance: Autosomal recessive inheritance. Affected: yes.

Clinical Genetics and Genomics, Karolinska University Hospital
Classification: Likely pathogenic. Last evaluated: 2015-01-05. Review status: criteria provided, single submitter. Criteria: ACMG Guidelines, 2015. Collection method: clinical testing. Allele origin: germline. Affected: yes. Observed: 3 variant alleles.

Dan Cohn Lab, University Of California Los Angeles
Classification: Pathogenic for Asphyxiating thoracic dystrophy 3. Last evaluated: 2017-06-01. Review status: no assertion criteria provided. Collection method: research. Allele origin: unknown. Affected: yes. Not counted in ClinVar's aggregate classification.

University of Washington Center for Mendelian Genomics, University of Washington
Classification: Likely pathogenic for Asphyxiating thoracic dystrophy 3. Review status: no assertion criteria provided. Collection method: research. Allele origin: inherited. Affected: yes. Not counted in ClinVar's aggregate classification.

Literature cited by the submitters: PubMed 29068549 (cited by 3 submitters).

NM_001377.3(DYNC2H1):c.9844G>A (p.Asp3282Asn)

Gene: DYNC2H1 (dynein cytoplasmic 2 heavy chain 1; plus strand). Cytogenetic location: 11q22.3.
Variant type: single nucleotide variant.
Coding change: c.9844G>A on transcript NM_001377.3 (MANE Select); coding-DNA position 9844, G replaced by A.
Protein change: p.Asp3282Asn; replaces aspartic acid 3282 with asparagine.
Molecular consequence: missense variant.
Genome position (GRCh38, 1-based): chr11:103,243,717, G>A. VCF-style: chr11-103243717-G-A. GRCh37 (hg19) VCF-style: chr11-103114446-G-A.
Other names: c.9865G>A, p.Asp3289Asn (NM_001080463.2); short protein forms D3289N, D3282N.
Identifiers: ClinVar variation 446534 (VCV000446534.14), dbSNP rs780600124, ClinGen allele CA6254811.
Genomic context (GRCh38, chr11:103,243,717, plus strand): 5'-ATTAAAAAACATTACTTTTCCTTTTTTTTATACTAGAGTCGAGTGTGCCCATTTCTTATA[G>A]ATCCTTCTTCCCAAGCTACAGAGTGGTTAAAAACACATTTGAAAGACTCACGTTTAGAAG-3'
Protein context (NP_001368.2, residues 3272-3292): LQSRVCPFLI[Asp3282Asn]PSSQATEWLK